The following is an entry in ClinVar:

ClinVar aggregate classification (germline): Uncertain significance. Review status: criteria provided, multiple submitters, no conflicts (2 of 4 stars). 2 submissions from 2 submitters: Uncertain significance (2). Last evaluated 2025-08-24.

Conditions:
Erythrocytosis, familial, 3 (ECYT3). Identifiers: Orphanet 247511, MedGen C1853286, MONDO:0012353, OMIM 609820.

Allele frequency attached by ClinVar (database versions not stated): TOPMed below 0.00001; gnomAD exomes 0.00001.
gnomAD v4.1: 9 of 1,614,046 alleles (0.00056%); highest among the groups gnomAD compares: Non-Finnish European, 0.00068%; no homozygotes.

Submissions (2):

Ambry Genetics
Classification: Uncertain significance. Last evaluated: 2025-08-24. Review status: criteria provided, single submitter. Criteria: Ambry Variant Classification Scheme 2023. Collection method: clinical testing. Allele origin: germline.
Comment: The p.I280M variant (also known as c.840A>G), located in coding exon 1 of the EGLN1 gene, results from an A to G substitution at nucleotide position 840. The isoleucine at codon 280 is replaced by methionine, an amino acid with highly similar properties. This amino acid position is highly conserved in available vertebrate species. In addition, the in silico prediction for this alteration is inconclusive. Since supporting evidence is limited at this time, the clinical significance of this alteration remains unclear.

Labcorp Genetics (formerly Invitae), Labcorp
Classification: Uncertain significance for Erythrocytosis, familial, 3. Last evaluated: 2023-07-25. Review status: criteria provided, single submitter. Criteria: Invitae Variant Classification Sherloc (09022015). Collection method: clinical testing. Allele origin: germline.
Comment: An algorithm developed to predict the effect of missense changes on protein structure and function (PolyPhen-2) suggests that this variant is likely to be disruptive. In summary, the available evidence is currently insufficient to determine the role of this variant in disease. Therefore, it has been classified as a Variant of Uncertain Significance. ClinVar contains an entry for this variant (Variation ID: 1763271). This variant has not been reported in the literature in individuals affected with EGLN1-related conditions. This variant is not present in population databases (gnomAD no frequency). This sequence change replaces isoleucine, which is neutral and non-polar, with methionine, which is neutral and non-polar, at codon 280 of the EGLN1 protein (p.Ile280Met).

NM_022051.3(EGLN1):c.840A>G (p.Ile280Met)

Genes: EGLN1 (egl-9 family hypoxia inducible factor 1; minus strand), LOC129932769 (ATAC-STARR-seq lymphoblastoid active region 2730; plus strand). Cytogenetic location: 1q42.2.
Variant type: single nucleotide variant.
Coding change: c.840A>G on transcript NM_022051.3 (MANE Select); coding-DNA position 840, A replaced by G.
Protein change: p.Ile280Met; replaces isoleucine 280 with methionine.
Molecular consequence: missense variant.
Genome position (GRCh38, 1-based): chr1:231,421,049, T>C on the plus strand (A>G on the coding strand, the complement: EGLN1 is on the minus strand). VCF-style: chr1-231421049-T-C. GRCh37 (hg19) VCF-style: chr1-231556795-T-C.
Other names: c.840A>G, p.Ile280Met (NM_001377260.1, NM_001377261.1); short protein forms I280M.
Identifiers: ClinVar variation 1763271 (VCV001763271.10), dbSNP rs1656573933, ClinGen allele CA345235002.